The following is an entry in ClinVar:

NM_014915.3(ANKRD26):c.2357G>T (p.Arg786Leu)

Gene: ANKRD26 (ankyrin repeat domain containing 26; minus strand). Cytogenetic location: 10p12.1.
Variant type: single nucleotide variant.
Coding change: c.2357G>T on transcript NM_014915.3 (MANE Select); coding-DNA position 2357, G replaced by T.
Protein change: p.Arg786Leu; replaces arginine 786 with leucine.
Molecular consequence: missense variant.
Genome position (GRCh38, 1-based): chr10:27,039,983, C>A on the plus strand (G>T on the coding strand, the complement: ANKRD26 is on the minus strand). VCF-style: chr10-27039983-C-A. GRCh37 (hg19) VCF-style: chr10-27328912-C-A.
Other names: c.2354G>T, p.Arg785Leu (NM_001256053.2); short protein forms R785L, R786L.
Identifiers: ClinVar variation 4102437 (VCV004102437.1).
Genomic context (GRCh38, chr10:27,039,983, plus strand): 5'-GTACAAATAGTTAAACATTTCTTTAAAACTAGGCTATCATACCTCAAAGAGCACAGTTCT[C>A]GTTCCCATTCAACTTTTTGATGCTCTAACTGTGATTTTATTTCTTTTGTTTCAGATAGCT-3'
Protein context (NP_055730.2, residues 776-796): QLEHQKVEWE[Arg786Leu]ELCSLRFSLN

ClinVar aggregate classification (germline): Uncertain significance (1 of 4 stars; one submission).

Conditions:
Inborn genetic diseases. Identifiers: MedGen C0950123, MeSH D030342.

gnomAD v4.1: 13 of 1,613,420 alleles (0.00081%); highest among the groups gnomAD compares: African/African-American, 0.0013%; no homozygotes.

Submission:

Ambry Genetics
Classification: Uncertain significance for Inborn genetic diseases. Last evaluated: 2025-08-02. Review status: criteria provided, single submitter. Criteria: Ambry Variant Classification Scheme 2023. Collection method: clinical testing. Allele origin: germline.
Comment: The p.R786L variant (also known as c.2357G>T), located in coding exon 21 of the ANKRD26 gene, results from a G to T substitution at nucleotide position 2357. The arginine at codon 786 is replaced by leucine, an amino acid with dissimilar properties. This amino acid position is conserved. In addition, this alteration is predicted to be tolerated by in silico analysis. Based on the available evidence, the clinical significance of this variant remains unclear.